The following is an entry in ClinVar:

ClinVar aggregate classification (germline): Uncertain significance (1 of 4 stars; one submission).

gnomAD v4.1: 1 of 1,197,375 alleles (0.000084%); highest among the groups gnomAD compares: Non-Finnish European, 0.00011%; no homozygotes.

Submission:

GeneDx
Classification: Uncertain significance. Last evaluated: 2019-06-13. Review status: criteria provided, single submitter. Criteria: GeneDx Variant Classification Process June 2021. Collection method: clinical testing. Allele origin: germline. Affected: yes.
Comment: Not observed in large population cohorts (Lek et al., 2016); In silico analysis, which includes protein predictors and evolutionary conservation, supports that this variant does not alter protein structure/function; Has not been previously published as pathogenic or benign to our knowledge

NM_001109878.2(TBX22):c.148A>T (p.Ser50Cys)

Gene: TBX22 (T-box transcription factor 22). Cytogenetic location: Xq21.1.
Variant type: single nucleotide variant.
Coding change: c.148A>T on transcript NM_001109878.2 (MANE Select); coding-DNA position 148, A replaced by T.
Protein change: p.Ser50Cys; replaces serine 50 with cysteine.
Molecular consequence: missense variant. On other transcripts: 5 prime UTR variant (1).
Genome position (GRCh38, 1-based): chrX:80,022,417, A>T. VCF-style: chrX-80022417-A-T. GRCh37 (hg19) VCF-style: chrX-79277916-A-T.
Other names: c.-209A>T (NM_001109879.2); c.148A>T, p.Ser50Cys (NM_016954.2); short protein forms S50C.
Identifiers: ClinVar variation 1302598 (VCV001302598.2), dbSNP rs2147588219, ClinGen allele CA413739462.